The following is an entry in ClinVar:

NM_001009944.3(PKD1):c.1725C>G (p.Val575=)

Gene: PKD1 (polycystin 1, transient receptor potential channel interacting; minus strand). Cytogenetic location: 16p13.3.
Variant type: single nucleotide variant.
Coding change: c.1725C>G on transcript NM_001009944.3 (MANE Select); coding-DNA position 1725, C replaced by G.
Protein change: p.Val575=; no amino-acid change (valine 575 retained).
Molecular consequence: synonymous variant.
Genome position (GRCh38, 1-based): chr16:2,116,116, G>C on the plus strand (C>G on the coding strand, the complement: PKD1 is on the minus strand). VCF-style: chr16-2116116-G-C. GRCh37 (hg19) VCF-style: chr16-2166117-G-C.
Other names: c.1725C>G, p.Val575= (NM_000296.4).
Identifiers: ClinVar variation 4984783 (VCV004984783.1).

ClinVar aggregate classification (germline): Likely benign (1 of 4 stars; one submission).

Conditions:
PKD1-related disorder. Also called: PKD1-related condition.

gnomAD v4.1: 22 of 1,556,862 alleles (0.0014%); highest among the groups gnomAD compares: South Asian, 0.022%; no homozygotes.

Submission:

PreventionGenetics, part of Exact Sciences
Classification: Likely benign for PKD1-related condition. Last evaluated: 2026-09-01. Review status: criteria provided, single submitter. Criteria: ACMG Guidelines, 2015. Collection method: clinical testing. Allele origin: germline.
Comment: This variant is classified as likely benign based on ACMG/AMP sequence variant interpretation guidelines (Richards et al. 2015 PMID: 25741868, with internal and published modifications).